The following is an entry in ClinVar:

NM_001367624.2(ZNF469):c.9242C>T (p.Thr3081Met)

Gene: ZNF469 (zinc finger protein 469; plus strand). Cytogenetic location: 16q24.2.
Variant type: single nucleotide variant.
Coding change: c.9242C>T on transcript NM_001367624.2 (MANE Select); coding-DNA position 9242, C replaced by T.
Protein change: p.Thr3081Met; replaces threonine 3081 with methionine.
Molecular consequence: missense variant.
Genome position (GRCh38, 1-based): chr16:88,436,712, C>T. VCF-style: chr16-88436712-C-T. GRCh37 (hg19) VCF-style: chr16-88503120-C-T.
Other names: NM_001127464.1:c.9158C>T; NM_001127464.2:c.9158C>T; short protein forms T3081M.
Identifiers: ClinVar variation 1765979 (VCV001765979.23), dbSNP rs1002115521, ClinGen allele CA286385213.

ClinVar aggregate classification (germline): Conflicting classifications of pathogenicity. Review status: criteria provided, conflicting classifications (1 of 4 stars). 5 submissions from 5 submitters: Uncertain significance (4); Likely benign (1). Last evaluated 2026-03-09.

Conditions:
ZNF469-related disorder. Also called: ZNF469-related condition.
Cardiovascular phenotype. Identifiers: MedGen CN230736.

gnomAD v4.1: 68 of 1,549,140 alleles (0.0044%); highest among the groups gnomAD compares: African/African-American, 0.0055%; no homozygotes.

Submissions (5):

PreventionGenetics, part of Exact Sciences
Classification: Uncertain significance for ZNF469-related condition. Last evaluated: 2026-03-09. Review status: criteria provided, single submitter. Criteria: ACMG Guidelines, 2015. Collection method: clinical testing. Allele origin: germline.
Comment: The ZNF469 c.9158C>T variant is predicted to result in the amino acid substitution p.Thr3053Met. To our knowledge, this variant has not been reported in the literature. This variant is reported in 0.013% of alleles in individuals of African descent in gnomAD. At this time, the clinical significance of this variant is uncertain due to the absence of conclusive functional and genetic evidence.

CeGaT Center for Human Genetics Tuebingen
Classification: Uncertain significance. Last evaluated: 2025-02-01. Review status: criteria provided, single submitter. Criteria: CeGaT Center For Human Genetics Tuebingen Variant Classification Criteria Version 2. Collection method: clinical testing. Allele origin: germline. Affected: yes. Observed: 2 variant alleles.
Comment: ZNF469: PM2, BP4

Ambry Genetics
Classification: Likely benign for Cardiovascular phenotype. Last evaluated: 2023-12-15. Review status: criteria provided, single submitter. Criteria: Ambry Variant Classification Scheme 2023. Collection method: clinical testing. Allele origin: germline.

GeneDx
Classification: Uncertain significance. Last evaluated: 2023-07-26. Review status: criteria provided, single submitter. Criteria: GeneDx Variant Classification Process June 2021. Collection method: clinical testing. Allele origin: germline. Affected: yes.
Comment: Not observed at significant frequency in large population cohorts (gnomAD); In silico analysis supports that this missense variant does not alter protein structure/function; Has not been previously published as pathogenic or benign to our knowledge

Labcorp Genetics (formerly Invitae), Labcorp
Classification: Uncertain significance. Last evaluated: 2022-02-24. Review status: criteria provided, single submitter. Criteria: Invitae Variant Classification Sherloc (09022015). Collection method: clinical testing. Allele origin: germline.
Comment: This sequence change replaces threonine, which is neutral and polar, with methionine, which is neutral and non-polar, at codon 3053 of the ZNF469 protein (p.Thr3053Met). The frequency data for this variant in the population databases is considered unreliable, as metrics indicate poor data quality at this position in the gnomAD database. This variant has not been reported in the literature in individuals affected with ZNF469-related conditions. Algorithms developed to predict the effect of missense changes on protein structure and function output the following: SIFT: "Tolerated"; PolyPhen-2: "Benign"; Align-GVGD: "Class C0". The methionine amino acid residue is found in multiple mammalian species, which suggests that this missense change does not adversely affect protein function. In summary, the available evidence is currently insufficient to determine the role of this variant in disease. Therefore, it has been classified as a Variant of Uncertain Significance.